The following is an entry in ClinVar:

ClinVar aggregate classification (germline): Uncertain significance (1 of 4 stars; one submission).

Conditions:
Desmin-related myofibrillar myopathy (MFM1). Also called: MYOFIBRILLAR MYOPATHY WITH ARRHYTHMOGENIC RIGHT VENTRICULAR CARDIOMYOPATHY; DESMIN-RELATED MYOPATHY WITH ARRHYTHMOGENIC RIGHT VENTRICULAR CARDIOMYOPATHY; Desminopathy; Myofibrillar myopathy 1; Desmin related myopathy (former name); Desmin storage myopathy (former name). Identifiers: Orphanet 363543, Orphanet 98909, MedGen C1832370, MONDO:0011076, OMIM 601419.

Submission:

3billion
Classification: Uncertain significance for Desmin-related myofibrillar myopathy. Review status: criteria provided, single submitter. Criteria: ACMG Guidelines, 2015. Collection method: clinical testing. Allele origin: unknown. Affected: yes. Observed: 1 heterozygote.
Comment: The variant is not observed in the gnomAD v2.1.1 dataset. In silico tool predictions suggest damaging effect of the variant on gene or gene product (REVEL: 0.80; 3Cnet: 0.53). A different missense change at the same codon (p.Ser344Pro) has been reported to be associated with DES related disorder (PMID: 28403181). However the evidence of pathogenicity is insufficient at this time. Therefore, this variant is classified as Uncertain significance according to the recommendation of ACMG/AMP guideline.

Literature cited by the submitters: PubMed 28403181.

NM_001927.4(DES):c.1031C>G (p.Ser344Cys)

Gene: DES (desmin; plus strand). Cytogenetic location: 2q35.
Variant type: single nucleotide variant.
Coding change: c.1031C>G on transcript NM_001927.4 (MANE Select); coding-DNA position 1031, C replaced by G.
Protein change: p.Ser344Cys; replaces serine 344 with cysteine.
Molecular consequence: missense variant. On other transcripts: intron variant (3).
Genome position (GRCh38, 1-based): chr2:219,421,347, C>G. VCF-style: chr2-219421347-C-G. GRCh37 (hg19) VCF-style: chr2-220286069-C-G.
Other names: c.1028C>G, p.Ser343Cys (NM_001382708.1); c.1031C>G, p.Ser344Cys (NM_001382712.1); c.761C>G, p.Ser254Cys (NM_001382713.1); c.1024-14C>G (NM_001382711.1); c.1024-62C>G (NM_001382710.1); c.736-137C>G (NM_001382709.1); short protein forms S254C, S343C, S344C.
Identifiers: ClinVar variation 2572526 (VCV002572526.1), dbSNP rs1429678305, ClinGen allele CA350693696.